The following is an entry in ClinVar:

NM_000492.4(CFTR):c.2012T>A (p.Leu671Ter)

Gene: CFTR (CF transmembrane conductance regulator; plus strand). Cytogenetic location: 7q31.2.
Variant type: single nucleotide variant.
Coding change: c.2012T>A on transcript NM_000492.4 (MANE Select); coding-DNA position 2012, T replaced by A.
Protein change: p.Leu671Ter; replaces leucine 671 with a stop codon.
Molecular consequence: nonsense.
Genome position (GRCh38, 1-based): chr7:117,592,179, T>A. VCF-style: chr7-117592179-T-A. GRCh37 (hg19) VCF-style: chr7-117232233-T-A.
Other names: short protein forms L671*.
Identifiers: ClinVar variation 1425559 (VCV001425559.6), dbSNP rs2116031354, ClinGen allele CA368979220.
Genomic context (GRCh38, chr7:117,592,179, plus strand): 5'-ACCAATTTAGTGCAGAAAGAAGAAATTCAATCCTAACTGAGACCTTACACCGTTTCTCAT[T>A]AGAAGGAGATGCTCCTGTCTCCTGGACAGAAACAAAAAAACAATCTTTTAAACAGACTGG-3'

ClinVar aggregate classification (germline): Pathogenic (1 of 4 stars; one submission).

Conditions:
Cystic fibrosis (CF). Also called: MUCOVISCIDOSIS. Identifiers: Orphanet 586, MedGen C0010674, MONDO:0009061, OMIM 219700. Disease mechanism: loss of function.

Submission:

Labcorp Genetics (formerly Invitae), Labcorp
Classification: Pathogenic for Cystic fibrosis. Last evaluated: 2021-10-06. Review status: criteria provided, single submitter. Criteria: Invitae Variant Classification Sherloc (09022015). Collection method: clinical testing. Allele origin: germline.
Comment: For these reasons, this variant has been classified as Pathogenic. This sequence change creates a premature translational stop signal (p.Leu671*) in the CFTR gene. It is expected to result in an absent or disrupted protein product. Loss-of-function variants in CFTR are known to be pathogenic (PMID: 1695717, 7691345, 9725922). This variant is not present in population databases (ExAC no frequency). This variant has not been reported in the literature in individuals affected with CFTR-related conditions.

Literature cited by the submitters: PubMed 1695717; PubMed 7691345; PubMed 9725922.